The following is an entry in ClinVar:

NM_002458.3(MUC5B):c.14683C>T (p.Pro4895Ser)

Gene: MUC5B (mucin 5B, oligomeric mucus/gel-forming; plus strand). Cytogenetic location: 11p15.5.
Variant type: single nucleotide variant.
Coding change: c.14683C>T on transcript NM_002458.3 (MANE Select); coding-DNA position 14683, C replaced by T.
Protein change: p.Pro4895Ser; replaces proline 4895 with serine.
Molecular consequence: missense variant.
Genome position (GRCh38, 1-based): chr11:1,251,563, C>T. VCF-style: chr11-1251563-C-T. GRCh37 (hg19) VCF-style: chr11-1272793-C-T.
Other names: c.14683C>T (NM_002458.2); short protein forms P4895S.
Identifiers: ClinVar variation 2641311 (VCV002641311.24), dbSNP rs56159668, ClinGen allele CA5808794.

ClinVar aggregate classification (germline): Benign. Review status: criteria provided, single submitter (1 of 4 stars). 2 submissions from 2 submitters: Benign (1). 1 of the submissions does not count toward it. Last evaluated 2024-11-01.

Conditions:
MUC5B-related disorder. Also called: MUC5B-related condition.

Allele frequency attached by ClinVar (database versions not stated): 1000 Genomes Project 30x 0.00328; 1000 Genomes Project 0.00359; ExAC 0.00561; gnomAD 0.00624; TOPMed 0.00691; ESP Exome Variant Server 0.00702; gnomAD exomes 0.00923.
gnomAD v4.1: 14,454 of 1,612,280 alleles (0.9%); highest among the groups gnomAD compares: Middle Eastern, 1.1%; 81 homozygotes.

Submissions (2):

CeGaT Center for Human Genetics Tuebingen
Classification: Benign. Last evaluated: 2024-11-01. Review status: criteria provided, single submitter. Criteria: CeGaT Center For Human Genetics Tuebingen Variant Classification Criteria Version 2. Collection method: clinical testing. Allele origin: germline. Affected: yes. Observed: 10 variant alleles.
Comment: MUC5B: BP4, BS1, BS2

PreventionGenetics, part of Exact Sciences
Classification: Benign for MUC5B-related condition. Last evaluated: 2024-08-31. Review status: no assertion criteria provided. Collection method: clinical testing. Allele origin: germline. Not counted in ClinVar's aggregate classification.
Comment: This variant is classified as benign based on ACMG/AMP sequence variant interpretation guidelines (Richards et al. 2015 PMID: 25741868, with internal and published modifications).